The following is an entry in ClinVar:

NM_001148.6(ANK2):c.11436C>T (p.Leu3812=)

Gene: ANK2 (ankyrin 2; plus strand). Cytogenetic location: 4q26.
Variant type: single nucleotide variant.
Coding change: c.11436C>T on transcript NM_001148.6 (MANE Select); coding-DNA position 11436, C replaced by T.
Protein change: p.Leu3812=; no amino-acid change (leucine 3812 retained).
Molecular consequence: synonymous variant.
Genome position (GRCh38, 1-based): chr4:113,369,631, C>T. VCF-style: chr4-113369631-C-T. GRCh37 (hg19) VCF-style: chr4-114290787-C-T.
Other names: c.5154C>T, p.Leu1718= (NM_001127493.3); c.5193C>T, p.Leu1731= (NM_001354225.2); c.5082C>T, p.Leu1694= (NM_001354228.2, NM_001354258.2); c.5160C>T, p.Leu1720= (NM_001354230.2); c.5223C>T, p.Leu1741= (NM_001354231.2, NM_001354242.2); c.5217C>T, p.Leu1739= (NM_001354232.2); c.5178C>T, p.Leu1726= (NM_001354235.2, NM_001354246.2, NM_001354265.2); c.5079C>T, p.Leu1693= (NM_001354236.2); and 35 more.
Identifiers: ClinVar variation 392553 (VCV000392553.1), dbSNP rs1057524537, ClinGen allele CA16604573.

ClinVar aggregate classification (germline): Likely benign (1 of 4 stars; one submission).

Allele frequency attached by ClinVar (database versions not stated): gnomAD exomes below 0.00001.
gnomAD v4.1: 5 of 1,614,120 alleles (0.00031%); highest among the groups gnomAD compares: South Asian, 0.0055%; no homozygotes.

Submission:

GeneDx
Classification: Likely benign. Last evaluated: 2017-01-06. Review status: criteria provided, single submitter. Criteria: GeneDx Variant Classification (06012015). Collection method: clinical testing. Allele origin: germline. Affected: yes.
Comment: This variant is considered likely benign or benign based on one or more of the following criteria: it is a conservative change, it occurs at a poorly conserved position in the protein, it is predicted to be benign by multiple in silico algorithms, and/or has population frequency not consistent with disease.